The following is an entry in ClinVar:

NM_001267550.2(TTN):c.90392T>C (p.Val30131Ala)

Genes: TTN (titin; minus strand), TTN-AS1 (TTN antisense RNA 1; plus strand). Cytogenetic location: 2q31.2.
Variant type: single nucleotide variant.
Coding change: c.90392T>C on transcript NM_001267550.2 (MANE Select); coding-DNA position 90392, T replaced by C.
Protein change: p.Val30131Ala; replaces valine 30131 with alanine.
Molecular consequence: missense variant.
Genome position (GRCh38, 1-based): chr2:178,552,508, A>G on the plus strand (T>C on the coding strand, the complement: TTN is on the minus strand). VCF-style: chr2-178552508-A-G. GRCh37 (hg19) VCF-style: chr2-179417235-A-G.
Other names: p.V28490A:GTT>GCT; c.85469T>C, p.Val28490Ala (NM_001256850.1); c.63197T>C, p.Val21066Ala (NM_003319.4); c.82688T>C, p.Val27563Ala (NM_133378.4); c.63572T>C, p.Val21191Ala (NM_133432.3); c.63773T>C, p.Val21258Ala (NM_133437.4); short protein forms V28490A, V30131A, V21066A, V21258A, V27563A, V21191A.
Identifiers: ClinVar variation 202967 (VCV000202967.2), dbSNP rs781135448, ClinGen allele CA310837.
Genomic context (GRCh38, chr2:178,552,508, plus strand): 5'-AGGTGCACATTGTGCCCAATTCTCACAGTGACTTGTGCCCCAGGGATATCTGACAGGTCA[A>G]CTTCAGGTGTAATAATAAGTTCTTTCACTGTAATTGGCCCAATAGTGACAGGATCACTCA-3'
Protein context (NP_001254479.2, residues 30121-30141): TVKELIITPE[Val30131Ala]DLSDIPGAQV

ClinVar aggregate classification (germline): Uncertain significance (1 of 4 stars; one submission).

Allele frequency attached by ClinVar (database versions not stated): ExAC 0.00001; gnomAD exomes below 0.00001.
gnomAD v4.1: 2 of 1,613,566 alleles (0.00012%); highest among the groups gnomAD compares: Non-Finnish European, 0.00017%; no homozygotes.

Submission:

GeneDx
Classification: Uncertain significance. Last evaluated: 2014-10-15. Review status: criteria provided, single submitter. Criteria: GeneDx Variant Classification (06012015). Collection method: clinical testing. Allele origin: germline. Affected: yes.
Comment: Missense variants in the TTN gene are considered 'unclassified' if they are not previously reported in the literature and do not have >1% frequency in the population to be considered a polymorphism. Research indicates that truncating mutations in the TTN gene are expected to account for approximately 25% of familial and 18% of sporadic idiopathic DCM; however, truncating variants in the TTN gene have been reported in approximately 3% of reported control alleles. There has been little investigation into non-truncating variants. (Herman D et al. Truncations of titin causing dilated cardiomyopathy. N Eng J Med 366:619-628, 2012) The variant is found in DCM-CRDM panel(s).